The following is an entry in ClinVar:

ClinVar aggregate classification (germline): Uncertain significance (1 of 4 stars; one submission).

Submission:

Ambry Genetics
Classification: Uncertain significance. Last evaluated: 2026-01-13. Review status: criteria provided, single submitter. Criteria: Ambry Variant Classification Scheme 2023. Collection method: clinical testing. Allele origin: germline.
Comment: The p.H536Y variant (also known as c.1606C>T), located in coding exon 8 of the ATRIP gene, results from a C to T substitution at nucleotide position 1606. The histidine at codon 536 is replaced by tyrosine, an amino acid with similar properties. This amino acid position is conserved. In addition, the in silico prediction for this alteration is inconclusive. Based on the available evidence, the clinical significance of this variant remains unclear.

NM_130384.3(ATRIP):c.1606C>T (p.His536Tyr)

Genes: ATRIP (ATR interacting protein; plus strand), ATRIP-TREX1 (ATRIP-TREX1 readthrough; plus strand). Cytogenetic location: 3p21.31.
Variant type: single nucleotide variant.
Coding change: c.1606C>T on transcript NM_130384.3 (MANE Select); coding-DNA position 1606, C replaced by T.
Protein change: p.His536Tyr; replaces histidine 536 with tyrosine.
Molecular consequence: missense variant. On other transcripts: non-coding transcript variant (1).
Genome position (GRCh38, 1-based): chr3:48,460,660, C>T. VCF-style: chr3-48460660-C-T. GRCh37 (hg19) VCF-style: chr3-48502059-C-T.
Other names: c.1225C>T, p.His409Tyr (NM_001271022.2); c.1327C>T, p.His443Tyr (NM_001271023.2); c.1606C>T, p.His536Tyr (NM_032166.4); short protein forms H536Y, H409Y, H443Y.
Identifiers: ClinVar variation 4842187 (VCV004842187.1).